The following is an entry in ClinVar:

ClinVar aggregate classification (germline): Benign. Review status: criteria provided, multiple submitters, no conflicts (2 of 4 stars). 3 submissions from 3 submitters: Benign (3). Last evaluated 2018-08-10.

Allele frequency attached by ClinVar (database versions not stated): 1000 Genomes Project 30x 0.01733; 1000 Genomes Project 0.01757; gnomAD 0.03455; TOPMed 0.03484; ESP Exome Variant Server 0.03530; ExAC 0.03619.
gnomAD v4.1: 74,717 of 1,614,154 alleles (4.6%); highest among the groups gnomAD compares: Non-Finnish European, 5.4%; 2,001 homozygotes.

Submissions (3):

GeneDx
Classification: Benign. Last evaluated: 2018-08-10. Review status: criteria provided, single submitter. Criteria: GeneDx Variant Classification Process June 2021. Collection method: clinical testing. Allele origin: germline. Affected: yes.

Laboratory for Molecular Medicine, Mass General Brigham Personalized Medicine
Classification: Benign. Last evaluated: 2016-03-29. Review status: criteria provided, single submitter. Criteria: LMM Criteria. Collection method: clinical testing. Allele origin: germline.
Comment: Variant identified in a genome or exome case(s) and assessed due to predicted null impact of the variant or pathogenic assertions in the literature or databases. Disclaimer: This variant has not undergone full assessment. The following are preliminary notes: Frequency, silent

Breakthrough Genomics
Classification: Benign. Review status: criteria provided, single submitter. Criteria: ACMG Guidelines, 2015. Collection method: not provided. Allele origin: germline. Inheritance: Unknown mechanism. Affected: yes.

NM_001347886.2(DNAH3):c.6945C>G (p.Leu2315=)

Gene: DNAH3 (dynein axonemal heavy chain 3; minus strand). Cytogenetic location: 16p12.3.
Variant type: single nucleotide variant.
Coding change: c.6945C>G on transcript NM_001347886.2 (MANE Select); coding-DNA position 6945, C replaced by G.
Protein change: p.Leu2315=; no amino-acid change (leucine 2315 retained).
Molecular consequence: synonymous variant.
Genome position (GRCh38, 1-based): chr16:20,985,659, G>C on the plus strand (C>G on the coding strand, the complement: DNAH3 is on the minus strand). VCF-style: chr16-20985659-G-C. GRCh37 (hg19) VCF-style: chr16-20996981-G-C.
Other names: c.7083C>G, p.Leu2361= (NM_017539.2).
Identifiers: ClinVar variation 402720 (VCV000402720.8), dbSNP rs61734980, ClinGen allele CA7946887.